The following is an entry in ClinVar:

NM_001365536.1(SCN9A):c.634G>A (p.Ala212Thr)

Gene: SCN9A (sodium voltage-gated channel alpha subunit 9; minus strand). Cytogenetic location: 2q24.3.
Variant type: single nucleotide variant.
Coding change: c.634G>A on transcript NM_001365536.1 (MANE Select); coding-DNA position 634, G replaced by A.
Protein change: p.Ala212Thr; replaces alanine 212 with threonine.
Molecular consequence: missense variant.
Genome position (GRCh38, 1-based): chr2:166,304,292, C>T on the plus strand (G>A on the coding strand, the complement: SCN9A is on the minus strand). VCF-style: chr2-166304292-C-T. GRCh37 (hg19) VCF-style: chr2-167160802-C-T.
Other names: c.634G>A, p.Ala212Thr (NM_002977.4); short protein forms A212T.
Identifiers: ClinVar variation 1033965 (VCV001033965.1), dbSNP rs1698679868, ClinGen allele CA349094256.
Genomic context (GRCh38, chr2:166,304,292, plus strand): 5'-TCTTACCTGGGATTACAGAAATAGTTTTCAAAGCTCTCAATACTCTGAAAGTTCGAAGAG[C>T]TGAAACATTGCCTAGGTTTACAAATTCTGTTAAATACCTGTAGAATTAAATCAGAATTAT-3'
Protein context (NP_001352465.1, residues 202-222): TEFVNLGNVS[Ala212Thr]LRTFRVLRAL

ClinVar aggregate classification (germline): Uncertain significance (1 of 4 stars; one submission).

Conditions:
Generalized epilepsy with febrile seizures plus, type 7 (GEFSP7). Also called: GEFS+, TYPE 7. Identifiers: Orphanet 36387, MedGen C2751778, MONDO:0013470, OMIM 613863.

Submission:

Baylor Genetics
Classification: Uncertain significance for Generalized epilepsy with febrile seizures plus, type 7. Last evaluated: 2018-08-08. Review status: criteria provided, single submitter. Criteria: ACMG Guidelines, 2015. Collection method: clinical testing. Allele origin: paternal. Affected: yes.
Comment: This variant was determined to be of uncertain significance according to ACMG Guidelines, 2015 [PMID:25741868].